The following is an entry in ClinVar:

ClinVar aggregate classification (germline): Pathogenic (1 of 4 stars; one submission).

Conditions:
Chédiak-Higashi syndrome (CHS). Also called: Chediak-Higashi Syndrome. Identifiers: Orphanet 167, MedGen C0007965, MONDO:0008963, OMIM 214500.

Submission:

Labcorp Genetics (formerly Invitae), Labcorp
Classification: Pathogenic for Chédiak-Higashi syndrome. Last evaluated: 2023-08-02. Review status: criteria provided, single submitter. Criteria: Invitae Variant Classification Sherloc (09022015). Collection method: clinical testing. Allele origin: germline.
Comment: This sequence change creates a premature translational stop signal (p.Ser910Argfs*5) in the LYST gene. It is expected to result in an absent or disrupted protein product. Loss-of-function variants in LYST are known to be pathogenic (PMID: 9215679, 11857544). This variant is not present in population databases (gnomAD no frequency). This variant has not been reported in the literature in individuals affected with LYST-related conditions. For these reasons, this variant has been classified as Pathogenic.

Literature cited by the submitters: PubMed 9215679; PubMed 11857544.

NM_000081.4(LYST):c.2730_2734del (p.Ser910fs)

Gene: LYST (lysosomal trafficking regulator; minus strand). Cytogenetic location: 1q42.3.
Variant type: Deletion.
Coding change: c.2730_2734del on transcript NM_000081.4 (MANE Select); coding-DNA positions 2730 to 2734, 5 bases deleted (TAAAG; older notation c.2730_2734delTAAAG).
Protein change: p.Ser910fs; shifts the reading frame from serine 910.
Molecular consequence: frameshift variant.
Genome position (GRCh38, 1-based): chr1:235,806,402-235,806,406, CTTTA deleted on the plus strand (TAAAG on the coding strand, the reverse complement: LYST is on the minus strand); deleting any 5 consecutive bases within chr1:235,806,402-235,806,409 gives the same sequence; the c. name uses the placement nearest the transcript's 3' end. VCF-style (leftmost placement, unchanged base first): chr1-235806401-TCTTTA-T. GRCh37 (hg19) VCF-style: chr1-235969701-TCTTTA-T.
Other names: c.2730_2734del, p.Ser910fs (NM_001301365.1); short protein forms S910fs.
Identifiers: ClinVar variation 2749603 (VCV002749603.3), dbSNP rs2527080870, ClinGen allele CA2697554999.